The following is an entry in ClinVar:

ClinVar aggregate classification (germline): Uncertain significance. Review status: criteria provided, multiple submitters, no conflicts (2 of 4 stars). 2 submissions from 2 submitters: Uncertain significance (2). Last evaluated 2026-07-06.

Conditions:
Hereditary cancer-predisposing syndrome. Also called: Hereditary Cancer Syndrome; Hereditary neoplastic syndrome; Neoplastic Syndromes, Hereditary; Tumor predisposition. Identifiers: Orphanet 140162, MedGen C0027672, MeSH D009386, MONDO:0015356.
Renal cell carcinoma. Identifiers: Orphanet 217071, MedGen C0007134, MeSH D002292, MONDO:0005086, HP:0005584.

Allele frequency attached by ClinVar (database versions not stated): gnomAD exomes below 0.00001.
gnomAD v4.1: 1 of 1,613,988 alleles (0.000062%); highest among the groups gnomAD compares: Non-Finnish European, 0.000085%; no homozygotes.

Submissions (2):

Ambry Genetics
Classification: Uncertain significance for Hereditary cancer-predisposing syndrome. Last evaluated: 2026-07-06. Review status: criteria provided, single submitter. Criteria: Ambry Variant Classification Scheme 2023. Collection method: clinical testing. Allele origin: germline.
Comment: The p.E297Q variant (also known as c.889G>C), located in coding exon 1 of the MET gene, results from a G to C substitution at nucleotide position 889. The glutamic acid at codon 297 is replaced by glutamine, an amino acid with highly similar properties. This amino acid position is conserved. In addition, this alteration is predicted to be tolerated by in silico analysis. Based on the available evidence, the clinical significance of this variant remains unclear.

Labcorp Genetics (formerly Invitae), Labcorp
Classification: Uncertain significance for Renal cell carcinoma. Last evaluated: 2023-07-24. Review status: criteria provided, single submitter. Criteria: Invitae Variant Classification Sherloc (09022015). Collection method: clinical testing. Allele origin: germline.
Comment: In summary, the available evidence is currently insufficient to determine the role of this variant in disease. Therefore, it has been classified as a Variant of Uncertain Significance. Advanced modeling of protein sequence and biophysical properties (such as structural, functional, and spatial information, amino acid conservation, physicochemical variation, residue mobility, and thermodynamic stability) performed at Invitae indicates that this missense variant is not expected to disrupt MET protein function. This variant has not been reported in the literature in individuals affected with MET-related conditions. This variant is not present in population databases (gnomAD no frequency). This sequence change replaces glutamic acid, which is acidic and polar, with glutamine, which is neutral and polar, at codon 297 of the MET protein (p.Glu297Gln).

NM_000245.4(MET):c.889G>C (p.Glu297Gln)

Gene: MET (MET proto-oncogene, receptor tyrosine kinase; plus strand). Cytogenetic location: 7q31.2.
Variant type: single nucleotide variant.
Coding change: c.889G>C on transcript NM_000245.4 (MANE Select); coding-DNA position 889, G replaced by C.
Protein change: p.Glu297Gln; replaces glutamic acid 297 with glutamine.
Molecular consequence: missense variant. On other transcripts: intron variant (1).
Genome position (GRCh38, 1-based): chr7:116,699,973, G>C. VCF-style: chr7-116699973-G-C. GRCh37 (hg19) VCF-style: chr7-116340027-G-C.
Other names: c.889G>C, p.Glu297Gln (NM_001127500.3, NM_001324401.3); c.-91+27396G>C (NM_001324402.2); c.889G>C (NM_000245.2); short protein forms E297Q.
Identifiers: ClinVar variation 2745805 (VCV002745805.4), dbSNP rs1027738818, ClinGen allele CA164889154.